The following is an entry in ClinVar:

ClinVar aggregate classification (germline): Pathogenic/Likely pathogenic. Review status: criteria provided, multiple submitters, no conflicts (2 of 4 stars). 3 submissions from 3 submitters: Pathogenic (2); Likely pathogenic (1). Last evaluated 2024-11-18.

Conditions:
Hyper-IgM syndrome type 1. Also called: CD40 Ligand Deficiency; X-linked hyper-IgM syndrome; Immunodeficiency, X-linked, with hyper-IgM; Hyper-IgM Immunodeficiency Syndrome, Type 1. Identifiers: Orphanet 101088, MedGen C0398689, MONDO:0010626, OMIM 308230.

Submissions (3):

Laboratorio de Genetica e Diagnostico Molecular, Hospital Israelita Albert Einstein
Classification: Likely pathogenic for Hyper-IgM syndrome type 1. Last evaluated: 2024-11-18. Review status: criteria provided, single submitter. Criteria: ACMG Guidelines, 2015. Collection method: clinical testing. Allele origin: germline. Affected: yes.
Comment: ACMG classification criteria: PVS1 strong, PS4 supporting, PM2 supporting

Labcorp Genetics (formerly Invitae), Labcorp
Classification: Pathogenic for Hyper-IgM syndrome type 1. Last evaluated: 2024-02-24. Review status: criteria provided, single submitter. Criteria: Invitae Variant Classification Sherloc (09022015). Collection method: clinical testing. Allele origin: germline.
Comment: This sequence change creates a premature translational stop signal (p.Ile53Lysfs*13) in the CD40LG gene. It is expected to result in an absent or disrupted protein product. Loss-of-function variants in CD40LG are known to be pathogenic (PMID: 15319456). This variant is not present in population databases (gnomAD no frequency). This premature translational stop signal has been observed in individual(s) with hyper-IgM syndrome (PMID: 7717401, 24768948). Algorithms developed to predict the effect of sequence changes on RNA splicing suggest that this variant may disrupt the consensus splice site. For these reasons, this variant has been classified as Pathogenic.

3billion
Classification: Pathogenic for Hyper-IgM syndrome type 1. Last evaluated: 2022-05-22. Review status: criteria provided, single submitter. Criteria: ACMG Guidelines, 2015. Collection method: clinical testing. Allele origin: germline. Affected: yes. Observed: 1 hemizygote.
Comment: The variant is not observed in the gnomAD v2.1.1 dataset. Canonical splice site: predicted to alter splicing and result in a loss or disruption of normal protein function. Multiple pathogenic loss-of-function variants are reported downstream of the variant. The variant has been reported to be associated with CD40LG related disorder (PMID: 24631270, 24768948 ). Therefore, this variant is classified as pathogenic according to the recommendation of ACMG/AMP guideline.

Literature cited by the submitters: PubMed 15319456 (cited by Labcorp Genetics (formerly Invitae), Labcorp); PubMed 7717401 (cited by Labcorp Genetics (formerly Invitae), Labcorp and 3billion); PubMed 24768948 (cited by Labcorp Genetics (formerly Invitae), Labcorp and 3billion); PubMed 24631270 (cited by 3billion).

NM_000074.3(CD40LG):c.158_161del

Gene: CD40LG (CD40 ligand; plus strand). Cytogenetic location: Xq26.3.
Variant type: Microsatellite.
Coding change: c.158_161del on transcript NM_000074.3 (MANE Select); coding-DNA positions 158 to 161, 4 bases deleted (TAGA; older notation c.158_161delTAGA).
Molecular consequence: splice acceptor variant.
Genome position (GRCh38, 1-based): chrX:136,650,267-136,650,270, TAGA deleted; deleting any 4 consecutive bases within chrX:136,650,262-136,650,270 gives the same sequence; the c. name uses the placement nearest the transcript's 3' end. VCF-style (leftmost placement, unchanged base first): chrX-136650261-AATAG-A. GRCh37 (hg19) VCF-style: chrX-135732420-AATAG-A.
Identifiers: ClinVar variation 1687523 (VCV001687523.7), ClinGen allele CA1137626566.